The following is an entry in ClinVar:

NM_001042413.2(GLIS3):c.2038C>T (p.Gln680Ter)

Genes: GLIS3-AS1 (GLIS3 antisense RNA 1; plus strand), GLIS3 (GLIS family zinc finger 3; minus strand). Cytogenetic location: 9p24.2.
Variant type: single nucleotide variant.
Coding change: c.2038C>T on transcript NM_001042413.2 (MANE Select); coding-DNA position 2038, C replaced by T.
Protein change: p.Gln680Ter; replaces glutamine 680 with a stop codon.
Molecular consequence: nonsense. On other transcripts: non-coding transcript variant (1).
Genome position (GRCh38, 1-based): chr9:3,898,781, G>A on the plus strand (C>T on the coding strand, the complement: GLIS3 is on the minus strand). VCF-style: chr9-3898781-G-A. GRCh37 (hg19) VCF-style: chr9-3898781-G-A.
Other names: c.2038C>T, p.Gln680Ter (NM_001438906.1, NM_001438907.1, NM_001438908.1); c.1573C>T, p.Gln525Ter (NM_001438909.1, NM_152629.4); c.1372C>T, p.Gln458Ter (NM_001438911.1, NM_001438912.1); short protein forms Q458*, Q525*, Q680*.
Identifiers: ClinVar variation 4291924 (VCV004291924.1).

ClinVar aggregate classification (germline): Likely pathogenic (1 of 4 stars; one submission).

Conditions:
Neonatal diabetes mellitus with congenital hypothyroidism. Also called: NDH SYNDROME. Identifiers: Orphanet 79118, MedGen C1857775, MONDO:0012436, OMIM 610199.

gnomAD v4.1: 1 of 1,614,220 alleles (0.000062%); highest among the groups gnomAD compares: Non-Finnish European, 0.000085%; no homozygotes.

Submission:

3billion
Classification: Likely pathogenic for Neonatal diabetes mellitus with congenital hypothyroidism. Last evaluated: 2024-08-22. Review status: criteria provided, single submitter. Criteria: ACMG Guidelines, 2015. Collection method: clinical testing. Allele origin: germline. Affected: yes.
Comment: The variant is observed at an extremely low frequency in the gnomAD v4.0.0 dataset (total allele frequency: <0.001%). Predicted Consequence/Location: Stop-gained (nonsense): predicted to result in a loss or disruption of normal protein function through nonsense-mediated decay (NMD) or protein truncation. Multiple pathogenic variants are reported downstream of the variant. Therefore, this variant is classified as Likely pathogenic according to the recommendation of ACMG/AMP guideline.